The following is an entry in ClinVar:

NM_199420.4(POLQ):c.4370C>T (p.Pro1457Leu)

Gene: POLQ (DNA polymerase theta; minus strand). Cytogenetic location: 3q13.33.
Variant type: single nucleotide variant.
Coding change: c.4370C>T on transcript NM_199420.4 (MANE Select); coding-DNA position 4370, C replaced by T.
Protein change: p.Pro1457Leu; replaces proline 1457 with leucine.
Molecular consequence: missense variant.
Genome position (GRCh38, 1-based): chr3:121,488,561, G>A on the plus strand (C>T on the coding strand, the complement: POLQ is on the minus strand). VCF-style: chr3-121488561-G-A. GRCh37 (hg19) VCF-style: chr3-121207408-G-A.
Other names: short protein forms P1457L.
Identifiers: ClinVar variation 2449012 (VCV002449012.2), dbSNP rs2546785969, ClinGen allele CA354095291.
Genomic context (GRCh38, chr3:121,488,561, plus strand): 5'-GGAAGACATTCTCCTTCTACACCAGTGGGAGTTCTCTTTTGAGGAATCAGAAGTATAACT[G>A]GTTTCACAGTTTCTTGTGTTTGATAACCTTGAAGAAAACTATTTAATTGTGAATCAGTAA-3'
Protein context (NP_955452.3, residues 1447-1467): QGYQTQETVK[Pro1457Leu]VILLIPQKRT

ClinVar aggregate classification (germline): Uncertain significance (1 of 4 stars; one submission).

Allele frequency attached by ClinVar (database versions not stated): gnomAD exomes below 0.00001.
gnomAD v4.1: 1 of 1,611,642 alleles (0.000062%); highest among the groups gnomAD compares: Non-Finnish European, 0.000085%; no homozygotes.

Submission:

Ambry Genetics
Classification: Uncertain significance. Last evaluated: 2023-02-15. Review status: criteria provided, single submitter. Criteria: Ambry Variant Classification Scheme 2023. Collection method: clinical testing. Allele origin: germline.
Comment: The p.P1457L variant (also known as c.4370C>T), located in coding exon 16 of the POLQ gene, results from a C to T substitution at nucleotide position 4370. The proline at codon 1457 is replaced by leucine, an amino acid with similar properties. This amino acid position is conserved. In addition, this alteration is predicted to be tolerated by in silico analysis. Since supporting evidence is limited at this time, the clinical significance of this alteration remains unclear.